The following is an entry in ClinVar:

NM_000069.3(CACNA1S):c.2051G>A (p.Arg684Lys)

Gene: CACNA1S (calcium voltage-gated channel subunit alpha1 S; minus strand). Cytogenetic location: 1q32.1.
Variant type: single nucleotide variant.
Coding change: c.2051G>A on transcript NM_000069.3 (MANE Select); coding-DNA position 2051, G replaced by A.
Protein change: p.Arg684Lys; replaces arginine 684 with lysine.
Molecular consequence: missense variant.
Genome position (GRCh38, 1-based): chr1:201,074,518, C>T on the plus strand (G>A on the coding strand, the complement: CACNA1S is on the minus strand). VCF-style: chr1-201074518-C-T. GRCh37 (hg19) VCF-style: chr1-201043646-C-T.
Other names: short protein forms R684K.
Identifiers: ClinVar variation 3386363 (VCV003386363.1).

ClinVar aggregate classification (germline): Uncertain significance (1 of 4 stars; one submission).

Conditions:
Malignant hyperthermia, susceptibility to, 5 (MHS5). Also called: CACNA1S-Related Malignant Hyperthermia Susceptibility. Identifiers: Orphanet 423, MedGen C1866077, MONDO:0011163, OMIM 601887.

Submission:

All of Us Research Program, National Institutes of Health
Classification: Uncertain significance for Malignant hyperthermia, susceptibility to, 5. Last evaluated: 2024-07-20. Review status: criteria provided, single submitter. Criteria: ACMG Guidelines, 2015. Collection method: clinical testing. Allele origin: germline. Inheritance: Autosomal dominant inheritance. Observed: 1 variant allele, 1 heterozygote.
Comment: This missense variant replaces arginine with lysine at codon 684 of the CACNA1S protein. Computational prediction suggests that this variant may not impact protein structure and function (internally defined REVEL score threshold <= 0.5, PMID: 27666373). To our knowledge, functional studies have not been reported for this variant. This variant has not been reported in individuals affected with CACNA1S-related disorders in the literature. This variant has not been identified in the general population by the Genome Aggregation Database (gnomAD). The available evidence is insufficient to determine the role of this variant in disease conclusively. Therefore, this variant is classified as a Variant of Uncertain Significance.

This study involves interpretation of variants in research participants for the purpose of population health screening. Participant phenotype was not available at the time of variant classification. Additional details can be found in publication PMID: 35346344, PMCID: PMC8962531